The following is an entry in ClinVar:

NM_015338.6(ASXL1):c.3286A>G (p.Met1096Val)

Gene: ASXL1 (ASXL transcriptional regulator 1; plus strand). Cytogenetic location: 20q11.21.
Variant type: single nucleotide variant.
Coding change: c.3286A>G on transcript NM_015338.6 (MANE Select); coding-DNA position 3286, A replaced by G.
Protein change: p.Met1096Val; replaces methionine 1096 with valine.
Molecular consequence: missense variant.
Genome position (GRCh38, 1-based): chr20:32,435,998, A>G. VCF-style: chr20-32435998-A-G. GRCh37 (hg19) VCF-style: chr20-31023801-A-G.
Other names: c.3103A>G, p.Met1035Val (NM_001363734.1); short protein forms M1096V, M1035V.
Identifiers: ClinVar variation 3440056 (VCV003440056.3).
Genomic context (GRCh38, chr20:32,435,998, plus strand): 5'-ATCCCAGATTCCCTACTGCTGGCCAGTACTGAGTACCAGCCAAGAGCCGTGTGCCTGTCC[A>G]TGCCTGGGTCCTCAGTGGAGGCCACTAACCCACTTGTGATGCAGTTGCTGCAGGGTAGCT-3'
Protein context (NP_056153.2, residues 1086-1106): EYQPRAVCLS[Met1096Val]PGSSVEATNP

ClinVar aggregate classification (germline): Conflicting classifications of pathogenicity. Review status: criteria provided, conflicting classifications (1 of 4 stars). 2 submissions from 2 submitters: Uncertain significance (1); Likely benign (1). Last evaluated 2025-12-30.

Conditions:
Inborn genetic diseases. Identifiers: MedGen C0950123, MeSH D030342.

Submissions (2):

Labcorp Genetics (formerly Invitae), Labcorp
Classification: Uncertain significance. Last evaluated: 2025-12-30. Review status: criteria provided, single submitter. Criteria: Invitae Variant Classification Sherloc (09022015). Collection method: clinical testing. Allele origin: germline.
Comment: This sequence change replaces methionine, which is neutral and non-polar, with valine, which is neutral and non-polar, at codon 1096 of the ASXL1 protein (p.Met1096Val). This variant is present in population databases (rs770570065, gnomAD 0.02%). This variant has not been reported in the literature in individuals affected with ASXL1-related conditions. ClinVar contains an entry for this variant (Variation ID: 3440056). An algorithm developed to predict the effect of missense changes on protein structure and function (PolyPhen-2) suggests that this variant is likely to be tolerated. In summary, the available evidence is currently insufficient to determine the role of this variant in disease. Therefore, it has been classified as a Variant of Uncertain Significance.

Ambry Genetics
Classification: Likely benign for Inborn genetic diseases. Last evaluated: 2024-08-23. Review status: criteria provided, single submitter. Criteria: Ambry Variant Classification Scheme 2023. Collection method: clinical testing. Allele origin: germline.